The following is an entry in ClinVar:

ClinVar aggregate classification (germline): Conflicting classifications of pathogenicity. Review status: criteria provided, conflicting classifications (1 of 4 stars). 13 submissions from 13 submitters: Uncertain significance (1); Benign (1); Likely benign (8). 3 of the submissions do not count toward it. Last evaluated 2026-02-02.

Conditions:
Retinal dystrophy. Also called: Inherited retinal dystrophy. Identifiers: Orphanet 71862, MedGen C0854723, MeSH D058499, MONDO:0019118, HP:0000556.
Usher syndrome type 2A. Also called: USHER SYNDROME, TYPE IIA; RETINAL DISEASE IN USHER SYNDROME TYPE IIA, MODIFIER OF. Identifiers: Orphanet 231178, Orphanet 886, MedGen C1848634, MONDO:0010169, OMIM 276901.
Retinitis pigmentosa 39 (RP39). Identifiers: Orphanet 791, MedGen C3151138, MONDO:0013436, OMIM 613809.

Allele frequency attached by ClinVar (database versions not stated): ESP Exome Variant Server 0.00108; gnomAD 0.00158 and 0.00170; TOPMed 0.00180; gnomAD exomes 0.00186; 1000 Genomes Project 30x 0.00187; 1000 Genomes Project 0.00200.
gnomAD v4.1: 2,038 of 1,614,072 alleles (0.13%); highest among the groups gnomAD compares: Middle Eastern, 1.7%; 11 homozygotes.

Submissions (13):

Labcorp Genetics (formerly Invitae), Labcorp
Classification: Likely benign. Last evaluated: 2026-02-02. Review status: criteria provided, single submitter. Criteria: Invitae Variant Classification Sherloc (09022015). Collection method: clinical testing. Allele origin: germline.

CeGaT Center for Human Genetics Tuebingen
Classification: Likely benign. Last evaluated: 2025-11-01. Review status: criteria provided, single submitter. Criteria: CeGaT Center For Human Genetics Tuebingen Variant Classification Criteria Version 2. Collection method: clinical testing. Allele origin: germline. Affected: yes. Observed: 9 variant alleles.
Comment: USH2A: BP4, BS1

Blueprint Genetics
Classification: Likely benign. Last evaluated: 2024-11-25. Review status: criteria provided, single submitter. Criteria: ACMG Guidelines, 2015. Collection method: clinical testing. Allele origin: germline.

Dept Of Ophthalmology, Nagoya University
Classification: Likely benign for Retinal dystrophy. Last evaluated: 2023-10-01. Review status: criteria provided, single submitter. Criteria: Submitter's publication. Collection method: research. Allele origin: germline. Affected: yes.

Genome-Nilou Lab
Classification: Likely benign for Usher syndrome type 2A. Last evaluated: 2021-05-18. Review status: criteria provided, single submitter. Criteria: ACMG Guidelines, 2015. Collection method: clinical testing. Allele origin: germline. Affected: no.

Ocular Genomics Institute, Massachusetts Eye and Ear
Classification: Uncertain significance for Retinitis pigmentosa 39. Last evaluated: 2021-04-08. Review status: criteria provided, single submitter. Criteria: ACMG Guidelines, 2015. Collection method: research. Allele origin: germline. Affected: yes.
Comment: Through a review of available evidence we were able to apply the following criteria: BP4. Based on this evidence we have classified this variant as Variant of Uncertain Significance.

ARUP Laboratories, Molecular Genetics and Genomics, ARUP Laboratories
Classification: Likely benign. Last evaluated: 2019-02-15. Review status: criteria provided, single submitter. Criteria: ARUP Molecular Germline Variant Investigation Process. Collection method: clinical testing. Allele origin: germline.

GeneDx
Classification: Likely benign. Last evaluated: 2018-02-07. Review status: criteria provided, single submitter. Criteria: GeneDx Variant Classification (06012015). Collection method: clinical testing. Allele origin: germline. Affected: yes.
Comment: This variant is considered likely benign or benign based on one or more of the following criteria: it is a conservative change, it occurs at a poorly conserved position in the protein, it is predicted to be benign by multiple in silico algorithms, and/or has population frequency not consistent with disease.

Eurofins Ntd Llc (ga)
Classification: Likely benign. Last evaluated: 2015-10-29. Review status: criteria provided, single submitter. Criteria: EGL Classification Definitions 2015. Collection method: clinical testing. Allele origin: germline. Observed: 2 variant alleles, 2 heterozygotes.

Laboratory for Molecular Medicine, Mass General Brigham Personalized Medicine
Classification: Benign. Last evaluated: 2011-11-03. Review status: criteria provided, single submitter. Criteria: LMM Criteria. Collection method: clinical testing. Allele origin: germline. Observed: 11 variant alleles.
Comment: Arg4570His in exon 63 of USH2A: This variant has been identified in a proband wi th Usher syndrome type 2 and in a proband with nonsyndromic retinitis pigmentosa (McGee 2010). However, in both cases the variant was in heterozygous form witho ut a variant on the second allele and this variant was classified as benign (McG ee 2010). This is consistent with our computational analyses (PolyPhen, SIFT, Al ignGVGD) which do not suggest a high likelihood of impact to the protein. In add ition, this variant has also been reported in dbSNP with a frequency of 0.6% (43 /6927) control chromosomes (rs730254). In summary, this evidence suggests the va riant is benign.

Natera, Inc.
Classification: Benign for Usher syndrome type 2A. Last evaluated: 2020-01-13. Review status: no assertion criteria provided. Collection method: clinical testing. Allele origin: germline. Not counted in ClinVar's aggregate classification.

Clinical Genetics DNA and cytogenetics Diagnostics Lab, Erasmus MC, Erasmus Medical Center
Classification: Likely benign. Review status: no assertion criteria provided. Collection method: clinical testing. Allele origin: germline. Affected: yes. Study: VKGL Data-share Consensus. Not counted in ClinVar's aggregate classification.

Clinical Genetics, Academic Medical Center
Classification: Likely benign. Review status: no assertion criteria provided. Collection method: clinical testing. Allele origin: germline. Affected: yes. Study: VKGL Data-share Consensus. Not counted in ClinVar's aggregate classification.

Literature cited by the submitters: PubMed 20507924 (cited by 3 submitters).

NM_206933.4(USH2A):c.13709G>A (p.Arg4570His)

Gene: USH2A (usherin; minus strand). Cytogenetic location: 1q41.
Variant type: single nucleotide variant.
Coding change: c.13709G>A on transcript NM_206933.4 (MANE Select); coding-DNA position 13709, G replaced by A.
Protein change: p.Arg4570His; replaces arginine 4570 with histidine.
Molecular consequence: missense variant.
Genome position (GRCh38, 1-based): chr1:215,674,202, C>T on the plus strand (G>A on the coding strand, the complement: USH2A is on the minus strand). VCF-style: chr1-215674202-C-T. GRCh37 (hg19) VCF-style: chr1-215847544-C-T.
Other names: short protein forms R4570H.
Identifiers: ClinVar variation 48422 (VCV000048422.75), dbSNP rs730254, ClinGen allele CA143326.